The following is an entry in ClinVar:

NM_001009944.3(PKD1):c.4729G>A (p.Asp1577Asn)

Gene: PKD1 (polycystin 1, transient receptor potential channel interacting; minus strand). Cytogenetic location: 16p13.3.
Variant type: single nucleotide variant.
Coding change: c.4729G>A on transcript NM_001009944.3 (MANE Select); coding-DNA position 4729, G replaced by A.
Protein change: p.Asp1577Asn; replaces aspartic acid 1577 with asparagine.
Molecular consequence: missense variant.
Genome position (GRCh38, 1-based): chr16:2,110,438, C>T on the plus strand (G>A on the coding strand, the complement: PKD1 is on the minus strand). VCF-style: chr16-2110438-C-T. GRCh37 (hg19) VCF-style: chr16-2160439-C-T.
Other names: c.4729G>A, p.Asp1577Asn (NM_000296.4); short protein forms D1577N.
Identifiers: ClinVar variation 995159 (VCV000995159.3), dbSNP rs770989260, ClinGen allele CA276781846.

ClinVar aggregate classification (germline): Uncertain significance. Review status: criteria provided, multiple submitters, no conflicts (2 of 4 stars). 2 submissions from 2 submitters: Uncertain significance (2). Last evaluated 2025-04-03.

Allele frequency attached by ClinVar (database versions not stated): gnomAD exomes below 0.00001.
gnomAD v4.1: 3 of 1,612,574 alleles (0.00019%); highest among the groups gnomAD compares: Non-Finnish European, 0.00025%; no homozygotes.

Submissions (2):

Women's Health and Genetics/Laboratory Corporation of America, LabCorp
Classification: Uncertain significance. Last evaluated: 2025-04-03. Review status: criteria provided, single submitter. Criteria: LabCorp Variant Classification Summary - May 2015. Collection method: clinical testing. Allele origin: germline.
Comment: Variant summary: PKD1 c.4729G>A (p.Asp1577Asn) results in a conservative amino acid change in the encoded protein sequence. Four of five in-silico tools predict a benign effect of the variant on protein function. The variant was absent in 248958 control chromosomes. The available data on variant occurrences in the general population are insufficient to allow any conclusion about variant significance. To our knowledge, no occurrence of c.4729G>A in individuals affected with PKD1-Biallelic Autosomal Recessive Polycystic Kidney Disease and no experimental evidence demonstrating its impact on protein function have been reported. ClinVar contains an entry for this variant (Variation ID: 995159). Based on the evidence outlined above, the variant was classified as uncertain significance.

Athena Diagnostics
Classification: Uncertain significance. Last evaluated: 2020-07-28. Review status: criteria provided, single submitter. Criteria: Athena Diagnostics Criteria. Collection method: clinical testing. Allele origin: unknown.